The following is an entry in ClinVar:

ClinVar aggregate classification (germline): Likely benign. Review status: criteria provided, single submitter (1 of 4 stars). 4 submissions from 4 submitters: Likely benign (1). 3 of the submissions do not count toward it.

Conditions:
ADGRG4-related disorder. Also called: ADGRG4-related condition.

Allele frequency attached by ClinVar (database versions not stated): 1000 Genomes Project 30x 0.00042; 1000 Genomes Project 0.00053; gnomAD exomes 0.00155 and 0.00268; ESP Exome Variant Server 0.00161; ExAC 0.00169; TOPMed 0.00182; gnomAD 0.00183 and 0.00185.
gnomAD v4.1: 3,107 of 1,208,618 alleles (0.26%); highest among the groups gnomAD compares: Non-Finnish European, 0.32%; 3 homozygotes.

Submissions (4):

Breakthrough Genomics
Classification: Likely benign. Review status: criteria provided, single submitter. Criteria: ACMG Guidelines, 2015. Collection method: not provided. Allele origin: germline. Inheritance: Unknown mechanism. Affected: yes.

PreventionGenetics, part of Exact Sciences
Classification: Likely benign for ADGRG4-related condition. Last evaluated: 2023-02-22. Review status: no assertion criteria provided. Collection method: clinical testing. Allele origin: germline. Not counted in ClinVar's aggregate classification.
Comment: This variant is classified as likely benign based on ACMG/AMP sequence variant interpretation guidelines (Richards et al. 2015 PMID: 25741868, with internal and published modifications).

Genome Diagnostics Laboratory, University Medical Center Utrecht
Classification: Likely benign. Review status: no assertion criteria provided. Collection method: clinical testing. Allele origin: germline. Affected: yes. Study: VKGL Data-share Consensus. Not counted in ClinVar's aggregate classification.

Laboratory of Diagnostic Genome Analysis, Leiden University Medical Center (LUMC)
Classification: Likely benign. Review status: no assertion criteria provided. Collection method: clinical testing. Allele origin: germline. Affected: yes. Study: VKGL Data-share Consensus. Not counted in ClinVar's aggregate classification.

NM_153834.4(ADGRG4):c.4639T>A (p.Cys1547Ser)

Gene: ADGRG4 (adhesion G protein-coupled receptor G4; plus strand). Cytogenetic location: Xq26.3.
Variant type: single nucleotide variant.
Coding change: c.4639T>A on transcript NM_153834.4 (MANE Select); coding-DNA position 4639, T replaced by A.
Protein change: p.Cys1547Ser; replaces cysteine 1547 with serine.
Molecular consequence: missense variant.
Genome position (GRCh38, 1-based): chrX:136,348,345, T>A. VCF-style: chrX-136348345-T-A. GRCh37 (hg19) VCF-style: chrX-135430504-T-A.
Other names: c.4639T>A (NM_153834.3); short protein forms C1547S.
Identifiers: ClinVar variation 1205842 (VCV001205842.5), dbSNP rs143353057, ClinGen allele CA10526473.